The following is an entry in ClinVar:

NM_017617.5(NOTCH1):c.2405A>G (p.Asn802Ser)

Gene: NOTCH1 (notch receptor 1; minus strand). Cytogenetic location: 9q34.3.
Variant type: single nucleotide variant.
Coding change: c.2405A>G on transcript NM_017617.5 (MANE Select); coding-DNA position 2405, A replaced by G.
Protein change: p.Asn802Ser; replaces asparagine 802 with serine.
Molecular consequence: missense variant.
Genome position (GRCh38, 1-based): chr9:136,513,083, T>C on the plus strand (A>G on the coding strand, the complement: NOTCH1 is on the minus strand). VCF-style: chr9-136513083-T-C. GRCh37 (hg19) VCF-style: chr9-139407535-T-C.
Other names: short protein forms N802S.
Identifiers: ClinVar variation 1345907 (VCV001345907.6), dbSNP rs2133358091, ClinGen allele CA375556545.
Genomic context (GRCh38, chr9:136,513,083, plus strand): 5'-GTGTAGGGCAGCAGGCAGTTGCACTTGTACCCGGCAACGTCGTCAATACACGTGCCCTGG[T>C]TCAGACATGGGTTGGACGCACACTCGTTGATGTTGGTCTGGCAGTTGGGACCTGGAGGGA-3'
Protein context (NP_060087.3, residues 792-812): INECASNPCL[Asn802Ser]QGTCIDDVAG

ClinVar aggregate classification (germline): Uncertain significance (1 of 4 stars; one submission).

Conditions:
Adams-Oliver syndrome 5 (AOS5). Identifiers: Orphanet 974, MedGen C4014970, MONDO:0014459, OMIM 616028.

Submission:

Labcorp Genetics (formerly Invitae), Labcorp
Classification: Uncertain significance for Adams-Oliver syndrome 5. Last evaluated: 2023-10-13. Review status: criteria provided, single submitter. Criteria: Invitae Variant Classification Sherloc (09022015). Collection method: clinical testing. Allele origin: germline.
Comment: This sequence change replaces asparagine, which is neutral and polar, with serine, which is neutral and polar, at codon 802 of the NOTCH1 protein (p.Asn802Ser). This variant is not present in population databases (gnomAD no frequency). This variant has not been reported in the literature in individuals affected with NOTCH1-related conditions. ClinVar contains an entry for this variant (Variation ID: 1345907). An algorithm developed to predict the effect of missense changes on protein structure and function (PolyPhen-2) suggests that this variant is likely to be disruptive. In summary, the available evidence is currently insufficient to determine the role of this variant in disease. Therefore, it has been classified as a Variant of Uncertain Significance.